The following is an entry in ClinVar:

NM_001429.4(EP300):c.5688_5689del (p.Ser1897fs)

Gene: EP300 (EP300 lysine acetyltransferase; plus strand). Cytogenetic location: 22q13.2.
Variant type: Microsatellite.
Coding change: c.5688_5689del on transcript NM_001429.4 (MANE Select); coding-DNA positions 5688 to 5689, 2 bases deleted (GT; older notation c.5688_5689delGT).
Protein change: p.Ser1897fs; shifts the reading frame from serine 1897.
Molecular consequence: frameshift variant.
Genome position (GRCh38, 1-based): chr22:41,177,399-41,177,400, GT deleted; deleting any 2 consecutive bases within chr22:41,177,396-41,177,400 gives the same sequence; the c. name uses the placement nearest the transcript's 3' end. VCF-style (leftmost placement, unchanged base first): chr22-41177395-CTG-C. GRCh37 (hg19) VCF-style: chr22-41573399-CTG-C.
Other names: c.5610_5611del, p.Ser1871fs (NM_001362843.2); short protein forms S1871fs, S1897fs.
Identifiers: ClinVar variation 3062060 (VCV003062060.1), dbSNP rs2517833003, ClinGen allele CA2740091984.

ClinVar aggregate classification (germline): Pathogenic (1 of 4 stars; one submission).

Conditions:
Rubinstein-Taybi syndrome due to EP300 haploinsufficiency. Also called: EP300-Related Rubinstein-Taybi Syndrome; RUBINSTEIN-TAYBI SYNDROME 2. Identifiers: Orphanet 353284, Orphanet 783, MedGen C3150941, MONDO:0013364, OMIM 613684.

Submission:

Illumina Laboratory Services, Illumina
Classification: Pathogenic for Rubinstein-Taybi syndrome due to EP300 haploinsufficiency. Last evaluated: 2019-11-04. Review status: criteria provided, single submitter. Criteria: ICSLVariantClassificationCriteria RUGD 01 April 2020. Collection method: clinical testing. Allele origin: unknown.
Comment: The EP300 c.5688_5689delGT p.(Ser1897ProfsTer3) variant causes a shift in the protein reading frame that is predicted to result in premature termination of the protein. Loss of normal protein function through either protein truncation or nonsense-mediated mRNA decay is expected. To our knowledge, this variant has not been reported in the peer-reviewed literature. This variant is not observed in version 2.1.1 of the Genome Aggregation Database. Based on the available evidence, the c.5688_5689delGT p.(Ser1897ProfsTer3) variant is classified as pathogenic for Rubinstein-Taybi syndrome.